The following is an entry in ClinVar:

ClinVar aggregate classification (germline): Uncertain significance (1 of 4 stars; one submission).

Submission:

GeneDx
Classification: Uncertain significance. Last evaluated: 2025-01-08. Review status: criteria provided, single submitter. Criteria: GeneDx Variant Classification Process June 2021. Collection method: clinical testing. Allele origin: germline. Affected: yes.
Comment: Not observed at significant frequency in large population cohorts (gnomAD); In silico analysis supports that this missense variant has a deleterious effect on protein structure/function; Has not been previously published as pathogenic or benign to our knowledge

NM_018082.6(POLR3B):c.2593T>C (p.Tyr865His)

Gene: POLR3B (RNA polymerase III subunit B; plus strand). Cytogenetic location: 12q23.3.
Variant type: single nucleotide variant.
Coding change: c.2593T>C on transcript NM_018082.6 (MANE Select); coding-DNA position 2593, T replaced by C.
Protein change: p.Tyr865His; replaces tyrosine 865 with histidine.
Molecular consequence: missense variant.
Genome position (GRCh38, 1-based): chr12:106,463,500, T>C. VCF-style: chr12-106463500-T-C. GRCh37 (hg19) VCF-style: chr12-106857278-T-C.
Other names: c.2419T>C, p.Tyr807His (NM_001160708.2); short protein forms Y807H, Y865H.
Identifiers: ClinVar variation 4056998 (VCV004056998.1).